The following is an entry in ClinVar:

NM_001277115.2(DNAH11):c.9732C>G (p.Phe3244Leu)

Gene: DNAH11 (dynein axonemal heavy chain 11; plus strand). Cytogenetic location: 7p15.3.
Variant type: single nucleotide variant.
Coding change: c.9732C>G on transcript NM_001277115.2 (MANE Select); coding-DNA position 9732, C replaced by G.
Protein change: p.Phe3244Leu; replaces phenylalanine 3244 with leucine.
Molecular consequence: missense variant.
Genome position (GRCh38, 1-based): chr7:21,786,758, C>G. VCF-style: chr7-21786758-C-G. GRCh37 (hg19) VCF-style: chr7-21826376-C-G.
Other names: short protein forms F3244L.
Identifiers: ClinVar variation 238945 (VCV000238945.9), dbSNP rs878854449, ClinGen allele CA10582485.

ClinVar aggregate classification (germline): Uncertain significance (1 of 4 stars; one submission).

Conditions:
Primary ciliary dyskinesia. Also called: Ciliary dyskinesia. Identifiers: Orphanet 244, MedGen C0008780, MONDO:0016575, HP:0012265.

Submission:

Labcorp Genetics (formerly Invitae), Labcorp
Classification: Uncertain significance for Primary ciliary dyskinesia. Last evaluated: 2023-07-17. Review status: criteria provided, single submitter. Criteria: Invitae Variant Classification Sherloc (09022015). Collection method: clinical testing. Allele origin: germline.
Comment: In summary, the available evidence is currently insufficient to determine the role of this variant in disease. Therefore, it has been classified as a Variant of Uncertain Significance. Advanced modeling of protein sequence and biophysical properties (such as structural, functional, and spatial information, amino acid conservation, physicochemical variation, residue mobility, and thermodynamic stability) performed at Invitae indicates that this missense variant is not expected to disrupt DNAH11 protein function. ClinVar contains an entry for this variant (Variation ID: 238945). This variant has not been reported in the literature in individuals affected with DNAH11-related conditions. This variant is not present in population databases (gnomAD no frequency). This sequence change replaces phenylalanine, which is neutral and non-polar, with leucine, which is neutral and non-polar, at codon 3244 of the DNAH11 protein (p.Phe3244Leu).